The following is an entry in ClinVar:

ClinVar aggregate classification (germline): Uncertain significance. Review status: criteria provided, multiple submitters, no conflicts (2 of 4 stars). 2 submissions from 2 submitters: Uncertain significance (2). Last evaluated 2025-08-10.

Conditions:
Inborn genetic diseases. Identifiers: MedGen C0950123, MeSH D030342.
Fetal akinesia deformation sequence 1 (FADS1). Also called: Pena-Shokeir syndrome type I; Fetal akinesia sequence. Identifiers: Orphanet 994, MedGen C1276035, MONDO:0100101, OMIM 208150, HP:0001989.
Congenital myasthenic syndrome 10. Also called: Myasthenia, limb-girdle, familial. Identifiers: Orphanet 590, MedGen C1850792, MONDO:0009690, OMIM 254300.

Allele frequency attached by ClinVar (database versions not stated): gnomAD 0.00005 and 0.00006; gnomAD exomes 0.00006 and 0.00007; TOPMed 0.00010; ExAC 0.00011.
gnomAD v4.1: 113 of 1,574,996 alleles (0.0072%); highest among the groups gnomAD compares: Non-Finnish European, 0.0086%; no homozygotes.

Submissions (2):

Ambry Genetics
Classification: Uncertain significance for Inborn genetic diseases. Last evaluated: 2025-08-10. Review status: criteria provided, single submitter. Criteria: Ambry Variant Classification Scheme 2023. Collection method: clinical testing. Allele origin: germline.

Labcorp Genetics (formerly Invitae), Labcorp
Classification: Uncertain significance for Congenital myasthenic syndrome 10; Fetal akinesia deformation sequence 1. Last evaluated: 2022-07-12. Review status: criteria provided, single submitter. Criteria: Invitae Variant Classification Sherloc (09022015). Collection method: clinical testing. Allele origin: germline.
Comment: This sequence change replaces glycine, which is neutral and non-polar, with arginine, which is basic and polar, at codon 308 of the DOK7 protein (p.Gly308Arg). This variant is present in population databases (rs759691572, gnomAD 0.01%). This variant has not been reported in the literature in individuals affected with DOK7-related conditions. ClinVar contains an entry for this variant (Variation ID: 645987). Algorithms developed to predict the effect of missense changes on protein structure and function are either unavailable or do not agree on the potential impact of this missense change (SIFT: "Tolerated"; PolyPhen-2: "Possibly Damaging"; Align-GVGD: "Class C0"). In summary, the available evidence is currently insufficient to determine the role of this variant in disease. Therefore, it has been classified as a Variant of Uncertain Significance.

NM_173660.5(DOK7):c.922G>A (p.Gly308Arg)

Gene: DOK7 (docking protein 7; plus strand). Cytogenetic location: 4p16.3.
Variant type: single nucleotide variant.
Coding change: c.922G>A on transcript NM_173660.5 (MANE Select); coding-DNA position 922, G replaced by A.
Protein change: p.Gly308Arg; replaces glycine 308 with arginine.
Molecular consequence: missense variant. On other transcripts: 3 prime UTR variant (1), 5 prime UTR variant (1).
Genome position (GRCh38, 1-based): chr4:3,492,908, G>A. VCF-style: chr4-3492908-G-A. GRCh37 (hg19) VCF-style: chr4-3494635-G-A.
Other names: c.*143G>A (NM_001164673.2); c.-9G>A (NM_001256896.2); c.922G>A, p.Gly308Arg (NM_001301071.2); c.490G>A, p.Gly164Arg (NM_001363811.2); short protein forms G308R, G164R.
Identifiers: ClinVar variation 645987 (VCV000645987.10), dbSNP rs759691572, ClinGen allele CA2829289.